The following is an entry in ClinVar:

NM_173660.5(DOK7):c.429del (p.Asp143fs)

Gene: DOK7 (docking protein 7; plus strand). Cytogenetic location: 4p16.3.
Variant type: Deletion.
Coding change: c.429del on transcript NM_173660.5 (MANE Select); coding-DNA position 429, one base deleted (C; older notation c.429delC).
Protein change: p.Asp143fs; shifts the reading frame from aspartic acid 143.
Molecular consequence: frameshift variant. On other transcripts: intron variant (1).
Genome position (GRCh38, 1-based): chr4:3,476,439, C deleted. VCF-style (leftmost placement, unchanged base first): chr4-3476438-AC-A. GRCh37 (hg19) VCF-style: chr4-3478165-AC-A.
Other names: c.429del, p.Asp143fs (NM_001164673.2, NM_001301071.2); c.101-9100del (NM_001363811.2); short protein forms D143fs.
Identifiers: ClinVar variation 1994082 (VCV001994082.4), dbSNP rs2475008526, ClinGen allele CA2580070718.

ClinVar aggregate classification (germline): Pathogenic (1 of 4 stars; one submission).

Conditions:
Fetal akinesia deformation sequence 1 (FADS1). Also called: Pena-Shokeir syndrome type I; Fetal akinesia sequence. Identifiers: Orphanet 994, MedGen C1276035, MONDO:0100101, OMIM 208150, HP:0001989.
Congenital myasthenic syndrome 10. Also called: Myasthenia, limb-girdle, familial. Identifiers: Orphanet 590, MedGen C1850792, MONDO:0009690, OMIM 254300.

Submission:

Labcorp Genetics (formerly Invitae), Labcorp
Classification: Pathogenic for Congenital myasthenic syndrome 10; Fetal akinesia deformation sequence 1. Last evaluated: 2022-05-13. Review status: criteria provided, single submitter. Criteria: Invitae Variant Classification Sherloc (09022015). Collection method: clinical testing. Allele origin: germline.
Comment: For these reasons, this variant has been classified as Pathogenic. This variant disrupts a region of the DOK7 protein in which other variant(s) (p.Pro486Argfs*15) have been determined to be pathogenic (PMID: 29118959). This suggests that this is a clinically significant region of the protein, and that variants that disrupt it are likely to be disease-causing. Algorithms developed to predict the effect of sequence changes on RNA splicing suggest that this variant may disrupt the consensus splice site. This variant has not been reported in the literature in individuals affected with DOK7-related conditions. This variant is not present in population databases (gnomAD no frequency). This sequence change creates a premature translational stop signal (p.Asp143Glufs*103) in the DOK7 gene. While this is not anticipated to result in nonsense mediated decay, it is expected to disrupt the last 362 amino acid(s) of the DOK7 protein.

Literature cited by the submitters: PubMed 29118959.